The following is an entry in ClinVar:

ClinVar aggregate classification (germline): Uncertain significance (1 of 4 stars; one submission).

Conditions:
KBG syndrome (KBGS). Also called: ANKRD11-Related KBG Syndrome. Identifiers: Orphanet 2332, MedGen C0220687, MONDO:0007846, OMIM 148050.

gnomAD v4.1: 3 of 1,611,150 alleles (0.00019%); highest among the groups gnomAD compares: Non-Finnish European, 0.00017%; no homozygotes.

Submission:

Labcorp Genetics (formerly Invitae), Labcorp
Classification: Uncertain significance for KBG syndrome. Last evaluated: 2024-07-26. Review status: criteria provided, single submitter. Criteria: Invitae Variant Classification Sherloc (09022015). Collection method: clinical testing. Allele origin: germline.
Comment: This sequence change replaces alanine, which is neutral and non-polar, with threonine, which is neutral and polar, at codon 1242 of the ANKRD11 protein (p.Ala1242Thr). This variant is not present in population databases (gnomAD no frequency). This variant has not been reported in the literature in individuals affected with ANKRD11-related conditions. Advanced modeling of protein sequence and biophysical properties (such as structural, functional, and spatial information, amino acid conservation, physicochemical variation, residue mobility, and thermodynamic stability) performed at Invitae indicates that this missense variant is not expected to disrupt ANKRD11 protein function with a negative predictive value of 95%. In summary, the available evidence is currently insufficient to determine the role of this variant in disease. Therefore, it has been classified as a Variant of Uncertain Significance.

NM_013275.6(ANKRD11):c.3724G>A (p.Ala1242Thr)

Gene: ANKRD11 (ankyrin repeat domain 11; minus strand). Cytogenetic location: 16q24.3.
Variant type: single nucleotide variant.
Coding change: c.3724G>A on transcript NM_013275.6 (MANE Select); coding-DNA position 3724, G replaced by A.
Protein change: p.Ala1242Thr; replaces alanine 1242 with threonine.
Molecular consequence: missense variant.
Genome position (GRCh38, 1-based): chr16:89,282,818, C>T on the plus strand (G>A on the coding strand, the complement: ANKRD11 is on the minus strand). VCF-style: chr16-89282818-C-T. GRCh37 (hg19) VCF-style: chr16-89349226-C-T.
Other names: c.3724G>A, p.Ala1242Thr (NM_001256182.2, NM_001256183.2); short protein forms A1242T.
Identifiers: ClinVar variation 3707999 (VCV003707999.2).